The following is an entry in ClinVar:

ClinVar aggregate classification (germline): Uncertain significance. Review status: criteria provided, multiple submitters, no conflicts (2 of 4 stars). 8 submissions from 4 submitters: Uncertain significance (8). Last evaluated 2024-09-03.

Conditions:
Autosomal recessive limb-girdle muscular dystrophy type 2J (LGMDR10). Also called: MUSCULAR DYSTROPHY, LIMB-GIRDLE, AUTOSOMAL RECESSIVE 10; Limb-girdle muscular dystrophy, type 2J. Identifiers: Orphanet 140922, MedGen C1837342, MONDO:0012127, OMIM 608807.
Dilated cardiomyopathy 1G (CMD1G). Identifiers: Orphanet 154, MedGen C1858763, MONDO:0011400, OMIM 604145.
Early-onset myopathy with fatal cardiomyopathy (CMYO5). Also called: Salih Myopathy; CONGENITAL MYOPATHY 5 WITH CARDIOMYOPATHY. Identifiers: Orphanet 289377, MedGen C2673677, MONDO:0012714, OMIM 611705. Disease mechanism: loss of function.
Myopathy, myofibrillar, 9, with early respiratory failure (MFM9). Also called: Myopathy, distal, with early respiratory failure, autosomal dominant; Hereditary myopathy with early respiratory failure; EDSTROM MYOPATHY; MYOPATHY, PROXIMAL, WITH EARLY RESPIRATORY MUSCLE INVOLVEMENT. Identifiers: Orphanet 178464, Orphanet 34521, MedGen C1863599, MONDO:0011362, OMIM 603689.
Tibial muscular dystrophy (TMD). Also called: UDD MYOPATHY; Tibial muscular dystrophy, tardive; Udd Distal Myopathy – Tibial Muscular Dystrophy. Identifiers: Orphanet 609, MedGen C1838244, MONDO:0010870, OMIM 600334.

Allele frequency attached by ClinVar (database versions not stated): gnomAD 0.00001; gnomAD exomes 0.00001; TOPMed 0.00002; ExAC 0.00001.
gnomAD v4.1: 19 of 1,612,354 alleles (0.0012%); highest among the groups gnomAD compares: Non-Finnish European, 0.0016%; no homozygotes.

Submissions (8):

GeneDx
Classification: Uncertain significance. Last evaluated: 2024-09-03. Review status: criteria provided, single submitter. Criteria: GeneDx Variant Classification Process June 2021. Collection method: clinical testing. Allele origin: germline. Affected: yes.
Comment: Has not been previously published as pathogenic or benign to our knowledge; Not observed at significant frequency in large population cohorts (gnomAD); Missense variant in a gene in which most reported pathogenic variants are truncating/loss-of-function

Illumina Laboratory Services, Illumina
Classification: Uncertain significance for Autosomal recessive limb-girdle muscular dystrophy type 2J. Last evaluated: 2018-01-13. Review status: criteria provided, single submitter. Criteria: ICSL Variant Classification Criteria 13 December 2019. Collection method: clinical testing. Allele origin: germline.

Illumina Laboratory Services, Illumina
Classification: Uncertain significance for Early-onset myopathy with fatal cardiomyopathy. Last evaluated: 2018-01-13. Review status: criteria provided, single submitter. Criteria: ICSL Variant Classification Criteria 13 December 2019. Collection method: clinical testing. Allele origin: germline.

Illumina Laboratory Services, Illumina
Classification: Uncertain significance for Tibial muscular dystrophy. Last evaluated: 2018-01-13. Review status: criteria provided, single submitter. Criteria: ICSL Variant Classification Criteria 13 December 2019. Collection method: clinical testing. Allele origin: germline.

Illumina Laboratory Services, Illumina
Classification: Uncertain significance for Dilated cardiomyopathy 1G. Last evaluated: 2018-01-13. Review status: criteria provided, single submitter. Criteria: ICSL Variant Classification Criteria 13 December 2019. Collection method: clinical testing. Allele origin: germline.

Illumina Laboratory Services, Illumina
Classification: Uncertain significance for Myopathy, myofibrillar, 9, with early respiratory failure. Last evaluated: 2018-01-13. Review status: criteria provided, single submitter. Criteria: ICSL Variant Classification Criteria 13 December 2019. Collection method: clinical testing. Allele origin: germline.

Labcorp Genetics (formerly Invitae), Labcorp
Classification: Uncertain significance for Dilated cardiomyopathy 1G; Autosomal recessive limb-girdle muscular dystrophy type 2J. Last evaluated: 2016-08-30. Review status: criteria provided, single submitter. Criteria: Invitae Variant Classification Sherloc (09022015). Collection method: clinical testing. Allele origin: germline.

Breakthrough Genomics
Classification: Uncertain significance. Review status: criteria provided, single submitter. Criteria: ACMG Guidelines, 2015. Collection method: not provided. Allele origin: germline. Inheritance: Autosomal recessive inheritance. Affected: yes.

NM_001267550.2(TTN):c.51823C>T (p.Pro17275Ser)

Genes: TTN (titin; minus strand), TTN-AS1 (TTN antisense RNA 1; plus strand). Cytogenetic location: 2q31.2.
Variant type: single nucleotide variant.
Coding change: c.51823C>T on transcript NM_001267550.2 (MANE Select); coding-DNA position 51823, C replaced by T.
Protein change: p.Pro17275Ser; replaces proline 17275 with serine.
Molecular consequence: missense variant.
Genome position (GRCh38, 1-based): chr2:178,609,487, G>A on the plus strand (C>T on the coding strand, the complement: TTN is on the minus strand). VCF-style: chr2-178609487-G-A. GRCh37 (hg19) VCF-style: chr2-179474214-G-A.
Other names: c.46900C>T, p.Pro15634Ser (NM_001256850.1); c.24628C>T, p.Pro8210Ser (NM_003319.4); c.44119C>T, p.Pro14707Ser (NM_133378.4); c.25003C>T, p.Pro8335Ser (NM_133432.3); c.25204C>T, p.Pro8402Ser (NM_133437.4); c.51823C>T (NM_001267550.1); short protein forms P17275S, P8402S, P15634S, P8210S, P8335S, P14707S.
Identifiers: ClinVar variation 404996 (VCV000404996.11), dbSNP rs752852690, ClinGen allele CA1994105.